The following is an entry in ClinVar:

ClinVar aggregate classification (germline): Uncertain significance. Review status: criteria provided, multiple submitters, no conflicts (2 of 4 stars). 2 submissions from 2 submitters: Uncertain significance (2). Last evaluated 2020-08-27.

Conditions:
Focal segmental glomerulosclerosis 5 (FSGS5). Identifiers: Orphanet 656, MedGen C2750475, MONDO:0013191, OMIM 613237.
Charcot-Marie-Tooth disease dominant intermediate E. Also called: CHARCOT-MARIE-TOOTH NEUROPATHY WITH FOCAL SEGMENTAL GLOMERULONEPHRITIS. Identifiers: Orphanet 93114, MedGen C4302667, MONDO:0013758, OMIM 614455.

Allele frequency attached by ClinVar (database versions not stated): gnomAD exomes below 0.00001; gnomAD 0.00001.
gnomAD v4.1: 2 of 1,612,574 alleles (0.00012%); highest among the groups gnomAD compares: Admixed American, 0.0017%; no homozygotes.

Submissions (2):

Labcorp Genetics (formerly Invitae), Labcorp
Classification: Uncertain significance for Charcot-Marie-Tooth disease dominant intermediate E; Focal segmental glomerulosclerosis 5. Last evaluated: 2020-08-27. Review status: criteria provided, single submitter. Criteria: Invitae Variant Classification Sherloc (09022015). Collection method: clinical testing. Allele origin: germline.
Comment: In summary, the available evidence is currently insufficient to determine the role of this variant in disease. Therefore, it has been classified as a Variant of Uncertain Significance. This sequence change replaces lysine with methionine at codon 697 of the INF2 protein (p.Lys697Met). The lysine residue is highly conserved and there is a moderate physicochemical difference between lysine and methionine. This variant is not present in population databases (ExAC no frequency). This variant has not been reported in the literature in individuals with INF2-related conditions. Algorithms developed to predict the effect of missense changes on protein structure and function are either unavailable or do not agree on the potential impact of this missense change (SIFT: "Deleterious"; PolyPhen-2: "Not Available"; Align-GVGD: "Class C0").

Mayo Clinic Laboratories, Mayo Clinic
Classification: Uncertain significance. Last evaluated: 2019-12-10. Review status: criteria provided, single submitter. Criteria: ACMG Guidelines, 2015. Collection method: clinical testing. Allele origin: germline. Observed: 1 variant allele.

NM_022489.4(INF2):c.2090A>T (p.Lys697Met)

Gene: INF2 (inverted formin 2; plus strand). Cytogenetic location: 14q32.33.
Variant type: single nucleotide variant.
Coding change: c.2090A>T on transcript NM_022489.4 (MANE Select); coding-DNA position 2090, A replaced by T.
Protein change: p.Lys697Met; replaces lysine 697 with methionine.
Molecular consequence: missense variant.
Genome position (GRCh38, 1-based): chr14:104,709,657, A>T. VCF-style: chr14-104709657-A-T. GRCh37 (hg19) VCF-style: chr14-105175994-A-T.
Other names: c.2090A>T, p.Lys697Met (NM_001031714.4); short protein forms K697M.
Identifiers: ClinVar variation 1035253 (VCV001035253.13), dbSNP rs1256555211, ClinGen allele CA391219955.